The following is an entry in ClinVar:

NM_002317.7(LOX):c.695C>A (p.Ser232Tyr)

Genes: LOX (lysyl oxidase; minus strand), SRFBP1 (serum response factor binding protein 1; plus strand). Cytogenetic location: 5q23.1.
Variant type: single nucleotide variant.
Coding change: c.695C>A on transcript NM_002317.7 (MANE Select); coding-DNA position 695, C replaced by A.
Protein change: p.Ser232Tyr; replaces serine 232 with tyrosine.
Molecular consequence: missense variant. On other transcripts: intron variant (1).
Genome position (GRCh38, 1-based): chr5:122,076,938, G>T on the plus strand (C>A on the coding strand, the complement: LOX is on the minus strand). VCF-style: chr5-122076938-G-T. GRCh37 (hg19) VCF-style: chr5-121412633-G-T.
Other names: c.5C>A, p.Ser2Tyr (NM_001178102.2); c.-152+154C>A (NM_001317073.1); short protein forms S232Y, S2Y.
Identifiers: ClinVar variation 2699578 (VCV002699578.3), dbSNP rs766870362, ClinGen allele CA3383970.
Genomic context (GRCh38, chr5:122,076,938, plus strand): 5'-CATATCAGCCCGTACCTGGCCAGACAGTTTTCCTCCGCCGCGCATCTCAGGTTGTACATG[G>T]ACATCTTCTGCACGTACGTGGACGCCTGGATGTAGTAGGGGTCGGCCACCAGGTCTGGGA-3'
Protein context (NP_002308.2, residues 222-242): IQASTYVQKM[Ser232Tyr]MYNLRCAAEE

ClinVar aggregate classification (germline): Uncertain significance (1 of 4 stars; one submission).

Allele frequency attached by ClinVar (database versions not stated): ExAC 0.00001.
gnomAD v4.1: 1 of 1,614,064 alleles (0.000062%); highest among the groups gnomAD compares: South Asian, 0.0011%; no homozygotes.

Submission:

Labcorp Genetics (formerly Invitae), Labcorp
Classification: Uncertain significance. Last evaluated: 2023-11-28. Review status: criteria provided, single submitter. Criteria: Invitae Variant Classification Sherloc (09022015). Collection method: clinical testing. Allele origin: germline.
Comment: This sequence change replaces serine, which is neutral and polar, with tyrosine, which is neutral and polar, at codon 232 of the LOX protein (p.Ser232Tyr). This variant is present in population databases (rs766870362, gnomAD 0.003%). This variant has not been reported in the literature in individuals affected with LOX-related conditions. Advanced modeling of protein sequence and biophysical properties (such as structural, functional, and spatial information, amino acid conservation, physicochemical variation, residue mobility, and thermodynamic stability) performed at Invitae indicates that this missense variant is not expected to disrupt LOX protein function with a negative predictive value of 80%. In summary, the available evidence is currently insufficient to determine the role of this variant in disease. Therefore, it has been classified as a Variant of Uncertain Significance.